The following is an entry in ClinVar:

ClinVar aggregate classification (germline): Uncertain significance. Review status: criteria provided, multiple submitters, no conflicts (2 of 4 stars). 2 submissions from 2 submitters: Uncertain significance (2). Last evaluated 2025-06-09.

Conditions:
Hereditary cancer-predisposing syndrome. Also called: Hereditary Cancer Syndrome; Hereditary neoplastic syndrome; Neoplastic Syndromes, Hereditary; Tumor predisposition. Identifiers: Orphanet 140162, MedGen C0027672, MeSH D009386, MONDO:0015356.
Bloom syndrome (BLM). Also called: Bloom-Torre-Machacek syndrome. Identifiers: Orphanet 125, MedGen C0005859, MONDO:0008876, OMIM 210900.

gnomAD v4.1: 1 of 1,613,428 alleles (0.000062%); highest among the groups gnomAD compares: Non-Finnish European, 0.000085%; no homozygotes.

Submissions (2):

Ambry Genetics
Classification: Uncertain significance for Hereditary cancer-predisposing syndrome. Last evaluated: 2025-06-09. Review status: criteria provided, single submitter. Criteria: Ambry Variant Classification Scheme 2023. Collection method: clinical testing. Allele origin: germline.
Comment: The p.D384N variant (also known as c.1150G>A), located in coding exon 5 of the BLM gene, results from a G to A substitution at nucleotide position 1150. The aspartic acid at codon 384 is replaced by asparagine, an amino acid with highly similar properties. This amino acid position is conserved. In addition, this alteration is predicted to be tolerated by in silico analysis. Based on the available evidence, the clinical significance of this variant remains unclear.

Labcorp Genetics (formerly Invitae), Labcorp
Classification: Uncertain significance for Bloom syndrome. Last evaluated: 2024-06-14. Review status: criteria provided, single submitter. Criteria: Invitae Variant Classification Sherloc (09022015). Collection method: clinical testing. Allele origin: germline.
Comment: This sequence change replaces aspartic acid, which is acidic and polar, with asparagine, which is neutral and polar, at codon 384 of the BLM protein (p.Asp384Asn). This variant is not present in population databases (gnomAD no frequency). This variant has not been reported in the literature in individuals affected with BLM-related conditions. ClinVar contains an entry for this variant (Variation ID: 1923952). Advanced modeling of protein sequence and biophysical properties (such as structural, functional, and spatial information, amino acid conservation, physicochemical variation, residue mobility, and thermodynamic stability) performed at Invitae indicates that this missense variant is not expected to disrupt BLM protein function with a negative predictive value of 80%. In summary, the available evidence is currently insufficient to determine the role of this variant in disease. Therefore, it has been classified as a Variant of Uncertain Significance.

NM_000057.4(BLM):c.1150G>A (p.Asp384Asn)

Gene: BLM (BLM RecQ like helicase; plus strand). Cytogenetic location: 15q26.1.
Variant type: single nucleotide variant.
Coding change: c.1150G>A on transcript NM_000057.4 (MANE Select); coding-DNA position 1150, G replaced by A.
Protein change: p.Asp384Asn; replaces aspartic acid 384 with asparagine.
Molecular consequence: missense variant.
Genome position (GRCh38, 1-based): chr15:90,760,209, G>A. VCF-style: chr15-90760209-G-A. GRCh37 (hg19) VCF-style: chr15-91303439-G-A.
Other names: c.1150G>A, p.Asp384Asn (NM_001287246.2, NM_001287247.2); c.25G>A, p.Asp9Asn (NM_001287248.2); short protein forms D384N, D9N.
Identifiers: ClinVar variation 1923952 (VCV001923952.6), dbSNP rs1895934142, ClinGen allele CA393842423.
Genomic context (GRCh38, chr15:90,760,209, plus strand): 5'-AGACAGATAAGTTTACAGCAGCAGCTTATTCATGTGATGGAGCACATCTGTAAATTAATT[G>A]ATACTATTCCTGATGATAAACTGAAACTTTTGGATTGTGGGAACGAACTGCTTCAGCAGC-3'
Protein context (NP_000048.1, residues 374-394): HVMEHICKLI[Asp384Asn]TIPDDKLKLL